The following is an entry in ClinVar:

NM_002386.4(MC1R):c.188T>C (p.Ile63Thr)

Gene: MC1R (melanocortin 1 receptor; plus strand). Cytogenetic location: 16q24.3.
Variant type: single nucleotide variant.
Coding change: c.188T>C on transcript NM_002386.4 (MANE Select); coding-DNA position 188, T replaced by C.
Protein change: p.Ile63Thr; replaces isoleucine 63 with threonine.
Molecular consequence: missense variant.
Genome position (GRCh38, 1-based): chr16:89,919,446, T>C. VCF-style: chr16-89919446-T-C. GRCh37 (hg19) VCF-style: chr16-89985854-T-C.
Other names: short protein forms I63T.
Identifiers: ClinVar variation 962154 (VCV000962154.9), dbSNP rs2045691961, ClinGen allele CA397459788.

ClinVar aggregate classification (germline): Uncertain significance (1 of 4 stars; one submission).

Conditions:
Melanoma, cutaneous malignant, susceptibility to, 5. Also called: Cutaneous malignant melanoma 5. Identifiers: Orphanet 618, MedGen C2751295, MONDO:0013133, OMIM 613099.

Allele frequency attached by ClinVar (database versions not stated): gnomAD exomes below 0.00001.

Submission:

Labcorp Genetics (formerly Invitae), Labcorp
Classification: Uncertain significance for Melanoma, cutaneous malignant, susceptibility to, 5. Last evaluated: 2019-08-10. Review status: criteria provided, single submitter. Criteria: Invitae Variant Classification Sherloc (09022015). Collection method: clinical testing. Allele origin: germline.
Comment: This sequence change replaces isoleucine with threonine at codon 63 of the MC1R protein (p.Ile63Thr). The isoleucine residue is highly conserved and there is a moderate physicochemical difference between isoleucine and threonine. This variant is not present in population databases (ExAC no frequency). In summary, the available evidence is currently insufficient to determine the role of this variant in disease. Therefore, it has been classified as a Variant of Uncertain Significance. Algorithms developed to predict the effect of missense changes on protein structure and function (SIFT, PolyPhen-2, Align-GVGD) all suggest that this variant is likely to be disruptive, but these predictions have not been confirmed by published functional studies and their clinical significance is uncertain. This variant has not been reported in the literature in individuals with MC1R-related conditions.